The following is an entry in ClinVar:

ClinVar aggregate classification (germline): Uncertain significance (1 of 4 stars; one submission).

Conditions:
Actin accumulation myopathy (CMYO2A). Also called: Myopathy, actin, congenital, with cores; Nemaline myopathy 3, with intranuclear rods; Nemaline myopathy type 3; Myopathy, actin, congenital, with excess of thin myofilaments; CONGENITAL MYOPATHY 2A, TYPICAL, AUTOSOMAL DOMINANT. Identifiers: Orphanet 98904, MedGen C3711389, MONDO:0008070, OMIM 161800.

Submission:

Labcorp Genetics (formerly Invitae), Labcorp
Classification: Uncertain significance for Actin accumulation myopathy. Last evaluated: 2023-12-28. Review status: criteria provided, single submitter. Criteria: Invitae Variant Classification Sherloc (09022015). Collection method: clinical testing. Allele origin: germline.
Comment: This sequence change replaces asparagine, which is neutral and polar, with tyrosine, which is neutral and polar, at codon 117 of the ACTA1 protein (p.Asn117Tyr). This variant is not present in population databases (gnomAD no frequency). This variant has not been reported in the literature in individuals affected with ACTA1-related conditions. Advanced modeling of protein sequence and biophysical properties (such as structural, functional, and spatial information, amino acid conservation, physicochemical variation, residue mobility, and thermodynamic stability) has been performed at Invitae for this missense variant, however the output from this modeling did not meet the statistical confidence thresholds required to predict the impact of this variant on ACTA1 protein function. This variant disrupts the p.Asn117 amino acid residue in ACTA1. Other variant(s) that disrupt this residue have been determined to be pathogenic (PMID: 10508519, 15226407, 17227580, 27357517). This suggests that this residue is clinically significant, and that variants that disrupt this residue are likely to be disease-causing. In summary, the available evidence is currently insufficient to determine the role of this variant in disease. Therefore, it has been classified as a Variant of Uncertain Significance.

Literature cited by the submitters: PubMed 10508519; PubMed 15226407; PubMed 17227580; PubMed 27357517.

NM_001100.4(ACTA1):c.349A>T (p.Asn117Tyr)

Gene: ACTA1 (actin alpha 1, skeletal muscle; minus strand). Cytogenetic location: 1q42.13.
Variant type: single nucleotide variant.
Coding change: c.349A>T on transcript NM_001100.4 (MANE Select); coding-DNA position 349, A replaced by T.
Protein change: p.Asn117Tyr; replaces asparagine 117 with tyrosine.
Molecular consequence: missense variant.
Genome position (GRCh38, 1-based): chr1:229,432,661, T>A on the plus strand (A>T on the coding strand, the complement: ACTA1 is on the minus strand). VCF-style: chr1-229432661-T-A. GRCh37 (hg19) VCF-style: chr1-229568408-T-A.
Other names: short protein forms N117Y.
Identifiers: ClinVar variation 2706133 (VCV002706133.3), dbSNP rs2527439011, ClinGen allele CA345149736.